The following is an entry in ClinVar:

ClinVar aggregate classification (germline): Likely benign. Review status: criteria provided, multiple submitters, no conflicts (2 of 4 stars). 2 submissions from 2 submitters: Likely benign (2). Last evaluated 2025-11-20.

Conditions:
LRP5-related disorder. Also called: LRP5-related condition.

Allele frequency attached by ClinVar (database versions not stated): TOPMed below 0.00001; ExAC 0.00001; gnomAD exomes 0.00001.
gnomAD v4.1: 11 of 1,613,936 alleles (0.00068%); highest among the groups gnomAD compares: Admixed American, 0.017%; no homozygotes.

Submissions (2):

PreventionGenetics, part of Exact Sciences
Classification: Likely benign for LRP5-related condition. Last evaluated: 2025-11-20. Review status: criteria provided, single submitter. Criteria: ACMG Guidelines, 2015. Collection method: clinical testing. Allele origin: germline.
Comment: This variant is classified as likely benign based on ACMG/AMP sequence variant interpretation guidelines (Richards et al. 2015 PMID: 25741868, with internal and published modifications).

Labcorp Genetics (formerly Invitae), Labcorp
Classification: Likely benign. Last evaluated: 2025-03-05. Review status: criteria provided, single submitter. Criteria: Invitae Variant Classification Sherloc (09022015). Collection method: clinical testing. Allele origin: germline.

NM_002335.4(LRP5):c.3027+7G>T

Gene: LRP5 (LDL receptor related protein 5; plus strand). Cytogenetic location: 11q13.2.
Variant type: single nucleotide variant.
Coding change: c.3027+7G>T on transcript NM_002335.4 (MANE Select); 7 bases into the intron after coding-DNA position 3027, G replaced by T.
Molecular consequence: intron variant.
Genome position (GRCh38, 1-based): chr11:68,416,534, G>T. VCF-style: chr11-68416534-G-T. GRCh37 (hg19) VCF-style: chr11-68184002-G-T.
Other names: c.1284+7G>T (NM_001291902.2); c.3027+7G>T (NM_002335.3).
Identifiers: ClinVar variation 1947167 (VCV001947167.6), dbSNP rs776561040, ClinGen allele CA6149812.